The following is an entry in ClinVar:

NM_000512.5(GALNS):c.566+3A>C

Gene: GALNS (galactosamine (N-acetyl)-6-sulfatase; minus strand). Cytogenetic location: 16q24.3.
Variant type: single nucleotide variant.
Coding change: c.566+3A>C on transcript NM_000512.5 (MANE Select); 3 bases into the intron after coding-DNA position 566, A replaced by C.
Molecular consequence: intron variant.
Genome position (GRCh38, 1-based): chr16:88,837,619, T>G on the plus strand (A>C on the coding strand, the complement: GALNS is on the minus strand). VCF-style: chr16-88837619-T-G. GRCh37 (hg19) VCF-style: chr16-88904027-T-G.
Other names: c.11+3A>C (NM_001323543.2); c.584+3A>C (NM_001323544.2).
Identifiers: ClinVar variation 3336138 (VCV003336138.3).

ClinVar aggregate classification (germline): Conflicting classifications of pathogenicity. Review status: criteria provided, conflicting classifications (1 of 4 stars). 3 submissions from 3 submitters: Likely pathogenic (1); Uncertain significance (2). Last evaluated 2024-08-12.

Conditions:
Mucopolysaccharidosis, MPS-IV-A (MPS4A). Also called: Morquio syndrome A, mild; MORQUIO SYNDROME A; GALACTOSAMINE-6-SULFATASE DEFICIENCY; GALNS DEFICIENCY; MORQUIO A DISEASE; MPS IVA. Identifiers: Orphanet 309297, Orphanet 582, MedGen C0086651, MONDO:0009659, OMIM 253000.

gnomAD v4.1: 2 of 1,612,578 alleles (0.00012%); highest among the groups gnomAD compares: Admixed American, 0.0033%; no homozygotes.

Submissions (3):

Revvity Omics, Revvity
Classification: Likely pathogenic for Mucopolysaccharidosis, MPS-IV-A. Last evaluated: 2024-08-12. Review status: criteria provided, single submitter. Criteria: ACMG Guidelines, 2015. Collection method: clinical testing. Allele origin: germline.

3billion
Classification: Uncertain significance for Mucopolysaccharidosis, MPS-IV-A. Last evaluated: 2024-06-18. Review status: criteria provided, single submitter. Criteria: ACMG Guidelines, 2015. Collection method: clinical testing. Allele origin: germline. Affected: yes.
Comment: The variant is observed at an extremely low frequency in the gnomAD v4.0.0 dataset (total allele frequency: <0.001%). Predicted Consequence/Location: Intron variant In silico tools predict the variant to alter splicing and produce an abnormal transcript [SpliceAI: 0.80 (>=0.2, moderate evidence for spliceogenicity)]. Therefore, this variant is classified as VUS according to the recommendation of ACMG/AMP guideline.

Women's Health and Genetics/Laboratory Corporation of America, LabCorp
Classification: Uncertain significance. Last evaluated: 2024-05-06. Review status: criteria provided, single submitter. Criteria: LabCorp Variant Classification Summary - May 2015. Collection method: clinical testing. Allele origin: germline.